The following is an entry in ClinVar:

NM_006158.5(NEFL):c.*1344G>A

Gene: NEFL (neurofilament light chain; minus strand). Cytogenetic location: 8p21.2.
Variant type: single nucleotide variant.
Coding change: c.*1344G>A on transcript NM_006158.5 (MANE Select); 1344 bases downstream of the stop codon, G replaced by A.
Molecular consequence: 3 prime UTR variant.
Genome position (GRCh38, 1-based): chr8:24,951,466, C>T on the plus strand (G>A on the coding strand, the complement: NEFL is on the minus strand). VCF-style: chr8-24951466-C-T. GRCh37 (hg19) VCF-style: chr8-24808979-C-T.
Identifiers: ClinVar variation 362621 (VCV000362621.5), dbSNP rs79034217, ClinGen allele CA10625219.
Genomic context (GRCh38, chr8:24,951,466, plus strand): 5'-ACAAAGGCAGAATAGCAGATAGTAATATCATCTATATTTATTCCACATCAAATGCAAGAG[C>T]GTTCTTAACTTTACGACAGAAAGGATACATGGGGCGTGTATTTGATGCAATGTCCAACCA-3'

ClinVar aggregate classification (germline): Benign (1 of 4 stars; one submission).

Conditions:
Charcot-Marie-Tooth disease type 1F. Also called: CHARCOT-MARIE-TOOTH NEUROPATHY, TYPE 1F; Charcot-Marie-Tooth disease, demyelinating, type 1f. Identifiers: Orphanet 101085, MedGen C1843164, MONDO:0011902, OMIM 607734.

Allele frequency attached by ClinVar (database versions not stated): 1000 Genomes Project 0.00639; 1000 Genomes Project 30x 0.00671; gnomAD 0.00685 and 0.00743; TOPMed 0.00790.

Submission:

Illumina Laboratory Services, Illumina
Classification: Benign for Charcot-Marie-Tooth disease type 1F. Last evaluated: 2018-01-13. Review status: criteria provided, single submitter. Criteria: ICSL Variant Classification Criteria 13 December 2019. Collection method: clinical testing. Allele origin: germline.
Comment: This variant was observed in the ICSL laboratory as part of a predisposition screen in an ostensibly healthy population. It had not been previously curated by ICSL or reported in the Human Gene Mutation Database (HGMD: prior to June 1st, 2018), and was therefore a candidate for classification through an automated scoring system. Utilizing variant allele frequency, disease prevalence and penetrance estimates, and inheritance mode, an automated score was calculated to assess if this variant is too frequent to cause the disease. Based on the score and internal cut-off values, a variant classified as benign is not then subjected to further curation. The score for this variant resulted in a classification of benign for this disease.